The following is an entry in ClinVar:

ClinVar aggregate classification (germline): Conflicting classifications of pathogenicity. Review status: criteria provided, conflicting classifications (1 of 4 stars). 5 submissions from 5 submitters: Pathogenic (2); Likely pathogenic (1); Uncertain significance (1). 1 of the submissions does not count toward it. Last evaluated 2025-07-09.

Conditions:
TYR-related disorder. Also called: TYR-related condition.

Allele frequency attached by ClinVar (database versions not stated): gnomAD exomes 0.00001 and 0.00005; TOPMed 0.00002; ESP Exome Variant Server 0.00008.
gnomAD v4.1: 72 of 1,613,606 alleles (0.0045%); highest among the groups gnomAD compares: Non-Finnish European, 0.0056%; no homozygotes.

Submissions (5):

Labcorp Genetics (formerly Invitae), Labcorp
Classification: Pathogenic. Last evaluated: 2025-07-09. Review status: criteria provided, single submitter. Criteria: Invitae Variant Classification Sherloc (09022015). Collection method: clinical testing. Allele origin: germline.
Comment: This sequence change replaces leucine, which is neutral and non-polar, with phenylalanine, which is neutral and non-polar, at codon 288 of the TYR protein (p.Leu288Phe). This variant is present in population databases (rs371985121, gnomAD 0.003%). This missense change has been observed in individual(s) with oculocutaneous albinism (PMID: 18463683). ClinVar contains an entry for this variant (Variation ID: 1300677). Invitae Evidence Modeling of protein sequence and biophysical properties (such as structural, functional, and spatial information, amino acid conservation, physicochemical variation, residue mobility, and thermodynamic stability) indicates that this missense variant is expected to disrupt TYR protein function with a positive predictive value of 95%. This variant disrupts the p.Leu288 amino acid residue in TYR. Other variant(s) that disrupt this residue have been determined to be pathogenic (PMID: 27734839). This suggests that this residue is clinically significant, and that variants that disrupt this residue are likely to be disease-causing. For these reasons, this variant has been classified as Pathogenic.

CeGaT Center for Human Genetics Tuebingen
Classification: Pathogenic. Last evaluated: 2024-07-01. Review status: criteria provided, single submitter. Criteria: CeGaT Center For Human Genetics Tuebingen Variant Classification Criteria Version 2. Collection method: clinical testing. Allele origin: germline. Affected: yes. Observed: 2 variant alleles.
Comment: TYR: PM3:Strong, PM1, PM2, PM5, PP4

Blueprint Genetics
Classification: Likely pathogenic for TYR-related disorders. Last evaluated: 2022-06-02. Review status: criteria provided, single submitter. Criteria: ACMG Guidelines, 2015. Collection method: clinical testing. Allele origin: germline. Affected: yes. Observed: 1 variant allele.

GeneDx
Classification: Uncertain significance. Last evaluated: 2021-10-07. Review status: criteria provided, single submitter. Criteria: GeneDx Variant Classification Process June 2021. Collection method: clinical testing. Allele origin: germline. Affected: yes.
Comment: In silico analysis supports that this missense variant has a deleterious effect on protein structure/function; This variant is associated with the following publications: (PMID: 18463683)

PreventionGenetics, part of Exact Sciences
Classification: Likely pathogenic for TYR-related condition. Last evaluated: 2024-08-11. Review status: no assertion criteria provided. Collection method: clinical testing. Allele origin: germline. Not counted in ClinVar's aggregate classification.
Comment: The TYR c.864A>T variant is predicted to result in the amino acid substitution p.Leu288Phe. This variant has been reported along with a second TYR variant in an individual with oculocutaneous albinism (Hutton and Spritz. 2008. PubMed ID: 18463683). Additionally, an alternate substitution of this amino acid (p.Leu288Ser) has been reported in individuals with oculocutaneous albinism (Mauri et al. 2016. PubMed ID: 27734839). This variant is reported in 0.0031% of alleles in individuals of European (Non-Finnish) descent in gnomAD. Given the evidence, we interpret this variant as likely pathogenic.

Literature cited by the submitters: PubMed 18463683 (cited by Labcorp Genetics (formerly Invitae), Labcorp); PubMed 27734839 (cited by Labcorp Genetics (formerly Invitae), Labcorp).

NM_000372.5(TYR):c.864A>T (p.Leu288Phe)

Gene: TYR (tyrosinase; plus strand). Cytogenetic location: 11q14.3.
Variant type: single nucleotide variant.
Coding change: c.864A>T on transcript NM_000372.5 (MANE Select); coding-DNA position 864, A replaced by T.
Protein change: p.Leu288Phe; replaces leucine 288 with phenylalanine.
Molecular consequence: missense variant.
Genome position (GRCh38, 1-based): chr11:89,191,246, A>T. VCF-style: chr11-89191246-A-T. GRCh37 (hg19) VCF-style: chr11-88924414-A-T.
Other names: short protein forms L288F.
Identifiers: ClinVar variation 1300677 (VCV001300677.26), dbSNP rs371985121, ClinGen allele CA6221240.